The following is an entry in ClinVar:

NM_001555.5(IGSF1):c.841TTC[2] (p.Phe283del)

Gene: IGSF1 (immunoglobulin superfamily member 1; minus strand). Cytogenetic location: Xq26.1.
Variant type: Microsatellite.
Coding change: c.841TTC[2] on transcript NM_001555.5 (MANE Select); two copies in a row of the 3-base unit TTC starting at c.841; the reference has three copies in a row; one copy, 3 bases deleted.
Protein change: p.Phe283del; deletes phenylalanine 283.
Molecular consequence: inframe deletion.
Genome position (GRCh38, 1-based): chrX:131,283,083-131,283,085, GAA deleted on the plus strand (TTC on the coding strand, the reverse complement: IGSF1 is on the minus strand); deleting any 3 consecutive bases within chrX:131,283,083-131,283,091 gives the same sequence; the position shown is the placement nearest the transcript's 3' end. VCF-style (leftmost placement, unchanged base first): chrX-131283082-GGAA-G. GRCh37 (hg19) VCF-style: chrX-130417056-GGAA-G.
Other names: c.841TTC[2], p.Phe283del (NM_001170961.2); c.814TTC[2], p.Phe274del (NM_001170962.2); short protein forms F274del, F283del.
Identifiers: ClinVar variation 2497993 (VCV002497993.1), dbSNP rs2522263344, ClinGen allele CA2580612485.
Genomic context (GRCh38, chrX:131,283,082, plus strand): 5'-TATATGATGCGTCATAGTAAAAACAGAGGTAATGTCCAGTATCTTGGATCTTCAAAGACT[GGAA>G]GAAGAAATTTGCCTCATTTTTTATTGTCTTCTTGTGGTAAAAGGACTTCTCCAAGTCTTC-3'

ClinVar aggregate classification (germline): Uncertain significance (1 of 4 stars; one submission).

Submission:

GeneDx
Classification: Uncertain significance. Last evaluated: 2022-10-03. Review status: criteria provided, single submitter. Criteria: GeneDx Variant Classification Process June 2021. Collection method: clinical testing. Allele origin: germline. Affected: yes.
Comment: Not observed at significant frequency in large population cohorts (gnomAD); In-frame deletion of 1 amino acid in a non-repeat region; In silico analysis supports a deleterious effect on protein structure/function; Has not been previously published as pathogenic or benign to our knowledge.